The following is an entry in ClinVar:

ClinVar aggregate classification (germline): Uncertain significance (1 of 4 stars; one submission).

Conditions:
Arrhythmogenic right ventricular dysplasia 10. Also called: Arrhythmogenic Right Ventricular Dysplasia/Cardiomyopathy10; ARRHYTHMOGENIC RIGHT VENTRICULAR DYSPLASIA, FAMILIAL, 10; Arrhythmogenic right ventricular dysplasia/cardiomyopathy, type 10. Identifiers: MedGen C1857777, MONDO:0012434, OMIM 610193.

Submission:

Labcorp Genetics (formerly Invitae), Labcorp
Classification: Uncertain significance for Arrhythmogenic right ventricular dysplasia 10. Last evaluated: 2025-06-17. Review status: criteria provided, single submitter. Criteria: Invitae Variant Classification Sherloc (09022015). Collection method: clinical testing. Allele origin: germline.
Comment: This sequence change replaces methionine, which is neutral and non-polar, with isoleucine, which is neutral and non-polar, at codon 1069 of the DSG2 protein (p.Met1069Ile). This variant is not present in population databases (gnomAD no frequency). This variant has not been reported in the literature in individuals affected with DSG2-related conditions. Invitae Evidence Modeling of protein sequence and biophysical properties (such as structural, functional, and spatial information, amino acid conservation, physicochemical variation, residue mobility, and thermodynamic stability) indicates that this missense variant is not expected to disrupt DSG2 protein function with a negative predictive value of 95%. In summary, the available evidence is currently insufficient to determine the role of this variant in disease. Therefore, it has been classified as a Variant of Uncertain Significance.

NM_001943.5(DSG2):c.3207G>A (p.Met1069Ile)

Genes: DSG2 (desmoglein 2; plus strand), DSG2-AS1 (DSG2 antisense RNA 1; minus strand). Cytogenetic location: 18q12.1.
Variant type: single nucleotide variant.
Coding change: c.3207G>A on transcript NM_001943.5 (MANE Select); coding-DNA position 3207, G replaced by A.
Protein change: p.Met1069Ile; replaces methionine 1069 with isoleucine.
Molecular consequence: missense variant.
Genome position (GRCh38, 1-based): chr18:31,546,593, G>A. VCF-style: chr18-31546593-G-A. GRCh37 (hg19) VCF-style: chr18-29126556-G-A.
Other names: short protein forms M1069I.
Identifiers: ClinVar variation 4803012 (VCV004803012.1).